The following is an entry in ClinVar:

ClinVar aggregate classification (germline): Benign/Likely benign. Review status: criteria provided, multiple submitters, no conflicts (2 of 4 stars). 4 submissions from 4 submitters: Benign (1); Likely benign (3). Last evaluated 2025-11-26.

Conditions:
Inborn genetic diseases. Identifiers: MedGen C0950123, MeSH D030342.
Progressive myoclonic epilepsy. Also called: Myoclonic Epilepsies, Progressive; Myoclonus epilepsy; Progressive myoclonus epilepsy; Familial progressive myoclonic epilepsy. Identifiers: Orphanet 308, Orphanet 98261, MedGen C0751778, MONDO:0020074.

Allele frequency attached by ClinVar (database versions not stated): ExAC 0.00028; 1000 Genomes Project 0.00080; gnomAD 0.00086; TOPMed 0.00105; 1000 Genomes Project 30x 0.00172.
gnomAD v4.1: 493 of 1,304,038 alleles (0.038%); highest among the groups gnomAD compares: East Asian, 2.2%; 4 homozygotes.

Submissions (4):

Labcorp Genetics (formerly Invitae), Labcorp
Classification: Likely benign for Progressive myoclonic epilepsy. Last evaluated: 2025-11-26. Review status: criteria provided, single submitter. Criteria: Invitae Variant Classification Sherloc (09022015). Collection method: clinical testing. Allele origin: germline.

Blueprint Genetics
Classification: Likely benign. Last evaluated: 2024-10-28. Review status: criteria provided, single submitter. Criteria: ACMG Guidelines, 2015. Collection method: clinical testing. Allele origin: germline.

Ambry Genetics
Classification: Likely benign for Inborn genetic diseases. Last evaluated: 2018-08-08. Review status: criteria provided, single submitter. Criteria: Ambry Variant Classification Scheme 2023. Collection method: clinical testing. Allele origin: germline.

GeneDx
Classification: Benign. Last evaluated: 2014-04-17. Review status: criteria provided, single submitter. Criteria: GeneDx Variant Classification (06012015). Collection method: clinical testing. Allele origin: germline. Affected: yes.
Comment: This variant is considered likely benign or benign based on one or more of the following criteria: it is a conservative change, it occurs at a poorly conserved position in the protein, it is predicted to be benign by multiple in silico algorithms, and/or has population frequency not consistent with disease.

NM_005670.4(EPM2A):c.171G>T (p.Pro57=)

Genes: EPM2A (EPM2A glucan phosphatase, laforin; minus strand), EPM2A-DT (EPM2A divergent transcript; plus strand), LOC129997381 (ATAC-STARR-seq lymphoblastoid silent region 17642; plus strand). Cytogenetic location: 6q24.3.
Variant type: single nucleotide variant.
Coding change: c.171G>T on transcript NM_005670.4 (MANE Select); coding-DNA position 171, G replaced by T.
Protein change: p.Pro57=; no amino-acid change (proline 57 retained).
Molecular consequence: synonymous variant. On other transcripts: 5 prime UTR variant (3), intron variant (1).
Genome position (GRCh38, 1-based): chr6:145,735,328, C>A on the plus strand (G>T on the coding strand, the complement: EPM2A is on the minus strand). VCF-style: chr6-145735328-C-A. GRCh37 (hg19) VCF-style: chr6-146056464-C-A.
Other names: p.P57P:CCG>CCT; c.171G>T, p.Pro57= (NM_001018041.2, NM_001360057.2, NM_001368130.1); c.-499G>T (NM_001360071.2); c.-453G>T (NM_001368129.2); c.-197G>T (NM_001368131.1); c.-114+580G>T (NM_001360064.2).
Identifiers: ClinVar variation 137217 (VCV000137217.15), dbSNP rs531330673, ClinGen allele CA290753.